The following is an entry in ClinVar:

ClinVar aggregate classification (germline): Conflicting classifications of pathogenicity. Review status: criteria provided, conflicting classifications (1 of 4 stars). 2 submissions from 2 submitters: Uncertain significance (1); Likely benign (1). Last evaluated 2025-12-21.

Conditions:
Progressive myoclonic epilepsy. Also called: Familial progressive myoclonic epilepsy; Myoclonic Epilepsies, Progressive; Progressive myoclonus epilepsy; Myoclonus epilepsy. Identifiers: Orphanet 308, Orphanet 98261, MedGen C0751778, MONDO:0020074.

Allele frequency attached by ClinVar (database versions not stated): gnomAD 0.00005; gnomAD exomes 0.00005 and 0.00013; TOPMed 0.00005; ExAC 0.00008; ESP Exome Variant Server 0.00023.
gnomAD v4.1: 85 of 1,612,216 alleles (0.0053%); highest among the groups gnomAD compares: Non-Finnish European, 0.0012%; no homozygotes.

Submissions (2):

Labcorp Genetics (formerly Invitae), Labcorp
Classification: Likely benign for Progressive myoclonic epilepsy. Last evaluated: 2025-12-21. Review status: criteria provided, single submitter. Criteria: Invitae Variant Classification Sherloc (09022015). Collection method: clinical testing. Allele origin: germline.

GeneDx
Classification: Uncertain significance. Last evaluated: 2014-03-07. Review status: criteria provided, single submitter. Criteria: GeneDx Variant Classification (06012015). Collection method: clinical testing. Allele origin: germline. Affected: yes.
Comment: p.Leu130Phe (CTC>TTC): c.388 C>T in exon 5 of the GOSR2 gene (NM_054022.2). The L130F variant has not been published as a mutation, nor has it been reported as a benign polymorphism to our knowledge. The L130F variant was not observed with any significant frequency in approximately 6,500 individuals of European and African American ancestry in the NHLBI Exome Sequencing Project. The L130F variant is a conservative amino acid substitution, which is not likely to impact secondary protein structure as these residues share similar properties. However, this substitution occurs at a position that is conserved across species. In silico analysis is inconsistent in its predictions as to whether or not the variant is damaging to the protein structure/function. Therefore, based on the currently available information, it is unclear whether this variant is a pathogenic mutation or a rare benign variant. The variant is found in CHILD-EPI panel(s).

NM_004287.5(GOSR2):c.388C>T (p.Leu130Phe)

Genes: GOSR2 (golgi SNAP receptor complex member 2; plus strand), LRRC37A2 (leucine rich repeat containing 37 member A2). Cytogenetic location: 17q21.32.
Variant type: single nucleotide variant.
Coding change: c.388C>T on transcript NM_004287.5 (MANE Select); coding-DNA position 388, C replaced by T.
Protein change: p.Leu130Phe; replaces leucine 130 with phenylalanine.
Molecular consequence: missense variant. On other transcripts: non-coding transcript variant (1), intron variant (4).
Genome position (GRCh38, 1-based): chr17:46,935,080, C>T. VCF-style: chr17-46935080-C-T. GRCh37 (hg19) VCF-style: chr17-45012446-C-T.
Other names: p.L130F:CTC>TTC; c.388C>T, p.Leu130Phe (NM_001012511.3, NM_001321133.2, NM_054022.4); c.385C>T, p.Leu129Phe (NM_001353114.2); c.334C>T, p.Leu112Phe (NM_001363851.2); c.282+2881C>T (NM_001321134.2); c.336+2881C>T (NM_001330252.2); c.333+2881C>T (NM_001353115.2, NM_001353116.2); short protein forms L130F, L129F, L112F.
Identifiers: ClinVar variation 205630 (VCV000205630.13), dbSNP rs137975476, ClinGen allele CA314901.